The following is an entry in ClinVar:

NM_017777.4(MKS1):c.925_926insTCTAA (p.Gly309delinsValTer)

Gene: MKS1 (MKS transition zone complex subunit 1; minus strand). Cytogenetic location: 17q22.
Variant type: Insertion.
Coding change: c.925_926insTCTAA on transcript NM_017777.4 (MANE Select); coding-DNA positions 925 to 926, TCTAA inserted.
Protein change: p.Gly309delinsValTer.
Molecular consequence: nonsense.
Genome position: GRCh38 VCF-style: chr17-58211012-C-CTTAGA. GRCh37 (hg19) VCF-style: chr17-56288373-C-CTTAGA.
Other names: c.316_317insTCTAA, p.Gly106delinsValTer (NM_001321268.2); c.925_926insTCTAA, p.Gly309delinsValTer (NM_001321269.2, NM_001330397.2).
Identifiers: ClinVar variation 1460338 (VCV001460338.6), dbSNP rs2143777988, ClinGen allele CA2573154371.
Genomic context (GRCh38, chr17:58,211,012, plus strand): 5'-AAGAGATCTATGCTAGCAAGACACTTACCGACCTCTCCATTTACAAAGAGCCGGAGGGCA[C>CTTAGA]CTGGGACAGTCTAAGGTGAAGAGAAGTGGGAAAGGATCAGCAGGCCTGGAGGGAATTGGC-3'

ClinVar aggregate classification (germline): Pathogenic (1 of 4 stars; one submission).

Conditions:
Meckel-Gruber syndrome. Also called: DYSENCEPHALIA SPLANCHNOCYSTICA; GRUBER SYNDROME; Dysencephalia splachnocystica. Identifiers: Orphanet 564, MedGen C0265215, MONDO:0018921.
Joubert syndrome. Also called: CEREBELLOPARENCHYMAL DISORDER IV; JOUBERT-BOLTSHAUSER SYNDROME; Familial aplasia of the vermis. Identifiers: Orphanet 475, MedGen C5979921, MONDO:0018772.

Allele frequency attached by ClinVar (database versions not stated): gnomAD exomes below 0.00001.

Submission:

Labcorp Genetics (formerly Invitae), Labcorp
Classification: Pathogenic for Joubert syndrome; Meckel-Gruber syndrome. Last evaluated: 2021-08-06. Review status: criteria provided, single submitter. Criteria: Invitae Variant Classification Sherloc (09022015). Collection method: clinical testing. Allele origin: germline.
Comment: For these reasons, this variant has been classified as Pathogenic. This variant has not been reported in the literature in individuals affected with MKS1-related conditions. This variant is not present in population databases (ExAC no frequency). This sequence change creates a premature translational stop signal (p.Gly309Valfs*2) in the MKS1 gene. It is expected to result in an absent or disrupted protein product. Loss-of-function variants in MKS1 are known to be pathogenic (PMID: 19466712, 24886560, 26490104).

Literature cited by the submitters: PubMed 19466712; PubMed 24886560; PubMed 26490104.